The following is an entry in ClinVar:

ClinVar aggregate classification (germline): Uncertain significance. Review status: criteria provided, multiple submitters, no conflicts (2 of 4 stars). 2 submissions from 2 submitters: Uncertain significance (2). Last evaluated 2022-02-18.

Conditions:
Hereditary cancer-predisposing syndrome. Also called: Neoplastic Syndromes, Hereditary; Tumor predisposition; Hereditary Cancer Syndrome; Hereditary neoplastic syndrome. Identifiers: Orphanet 140162, MedGen C0027672, MeSH D009386, MONDO:0015356.

Allele frequency attached by ClinVar (database versions not stated): gnomAD exomes below 0.00001.
gnomAD v4.1: 1 of 1,612,024 alleles (0.000062%); highest among the groups gnomAD compares: Non-Finnish European, 0.000085%; no homozygotes.

Submissions (2):

Labcorp Genetics (formerly Invitae), Labcorp
Classification: Uncertain significance for Hereditary cancer-predisposing syndrome. Last evaluated: 2022-02-18. Review status: criteria provided, single submitter. Criteria: Invitae Variant Classification Sherloc (09022015). Collection method: clinical testing. Allele origin: germline.
Comment: In summary, the available evidence is currently insufficient to determine the role of this variant in disease. Therefore, it has been classified as a Variant of Uncertain Significance. Algorithms developed to predict the effect of missense changes on protein structure and function are either unavailable or do not agree on the potential impact of this missense change (SIFT: "Tolerated"; PolyPhen-2: "Probably Damaging"; Align-GVGD: "Class C0"). This sequence change replaces isoleucine, which is neutral and non-polar, with valine, which is neutral and non-polar, at codon 1143 of the RAD50 protein (p.Ile1143Val). This variant is not present in population databases (gnomAD no frequency). This variant has not been reported in the literature in individuals affected with RAD50-related conditions. ClinVar contains an entry for this variant (Variation ID: 484683).

Ambry Genetics
Classification: Uncertain significance for Hereditary cancer-predisposing syndrome. Last evaluated: 2016-11-07. Review status: criteria provided, single submitter. Criteria: Ambry Variant Classification Scheme 2023. Collection method: clinical testing. Allele origin: germline.
Comment: The p.I1143V variant (also known as c.3427A>G), located in coding exon 22 of the RAD50 gene, results from an A to G substitution at nucleotide position 3427. The isoleucine at codon 1143 is replaced by valine, an amino acid with highly similar properties. This variant was not reported in population based cohorts in the following databases: Database of Single Nucleotide Polymorphisms (dbSNP), NHLBI Exome Sequencing Project (ESP), and 1000 Genomes Project. In the ESP, this variant was not observed in 6503 samples (13006 alleles) with coverage at this position. To date, this alteration has been detected with an allele frequency of approximately 0.001% (greater than 175000 alleles tested) in our clinical cohort. This amino acid position is highly conserved in available vertebrate species. In addition, the in silico prediction for this alteration is inconclusive. Since supporting evidence is limited at this time, the clinical significance of this alteration remains unclear.

NM_005732.4(RAD50):c.3427A>G (p.Ile1143Val)

Genes: RAD50 (RAD50 double strand break repair protein; plus strand), TH2-LCR (Th2 cytokine locus control region; plus strand), TH2LCRR (T helper type 2 locus control region associated RNA; minus strand). Cytogenetic location: 5q31.1.
Variant type: single nucleotide variant.
Coding change: c.3427A>G on transcript NM_005732.4 (MANE Select); coding-DNA position 3427, A replaced by G.
Protein change: p.Ile1143Val; replaces isoleucine 1143 with valine.
Molecular consequence: missense variant.
Genome position (GRCh38, 1-based): chr5:132,637,152, A>G. VCF-style: chr5-132637152-A-G. GRCh37 (hg19) VCF-style: chr5-131972844-A-G.
Other names: short protein forms I1143V.
Identifiers: ClinVar variation 484683 (VCV000484683.10), dbSNP rs1554100861, ClinGen allele CA360930140.
Genomic context (GRCh38, chr5:132,637,152, plus strand): 5'-GTACCAATGACTTCCTTTTCCAGAGCAATAATGAAATTTCACAGTATGAAAATGGAAGAA[A>G]TCAATAAAATTATACGTGACCTGTGGCGAAGTACCTATCGTGGACAAGGTGAGTACCATG-3'
Protein context (NP_005723.2, residues 1133-1153): MKFHSMKMEE[Ile1143Val]NKIIRDLWRS